The following is an entry in ClinVar:

ClinVar aggregate classification (germline): Pathogenic (1 of 4 stars; one submission).

Conditions:
Hereditary breast ovarian cancer syndrome. Also called: Hereditary breast and ovarian cancer; Hereditary breast and/or ovarian cancer syndrome; Hereditary breast and ovarian cancer syndrome; Hereditary breast and ovarian cancer syndrome (HBOC); BRCA1- and BRCA2-Associated Hereditary Breast and Ovarian Cancer; Breast and ovarian cancer. Identifiers: Orphanet 145, MedGen C0677776, MeSH D061325, MONDO:0003582. Disease mechanism: loss of function.

Submission:

Labcorp Genetics (formerly Invitae), Labcorp
Classification: Pathogenic for Hereditary breast ovarian cancer syndrome. Last evaluated: 2019-05-27. Review status: criteria provided, single submitter. Criteria: Invitae Variant Classification Sherloc (09022015). Collection method: clinical testing. Allele origin: germline.
Comment: For these reasons, this variant has been classified as Pathogenic. This variant disrupts the C-terminus of the BRCA2 protein. Other variant(s) that disrupt this region (p.Tyr3308*) have been determined to be pathogenic (PMID: 17026620, 22711857, 18593900, 18607349). This suggests that variants that disrupt this region of the protein are likely to be causative of disease. This variant has not been reported in the literature in individuals with BRCA2-related conditions. This variant is not present in population databases (ExAC no frequency). This sequence change results in a premature translational stop signal in the BRCA2 gene (p.Val3283Leufs*30). While this is not anticipated to result in nonsense mediated decay, it is expected to disrupt the last 136 amino acids of the BRCA2 protein.

Literature cited by the submitters: PubMed 17026620; PubMed 22711857; PubMed 18593900; PubMed 18607349.

NM_000059.4(BRCA2):c.9846del (p.Val3283fs)

Gene: BRCA2 (BRCA2 DNA repair associated; plus strand). Cytogenetic location: 13q13.1.
Variant type: Deletion.
Coding change: c.9846del on transcript NM_000059.4 (MANE Select); coding-DNA position 9846, one base deleted (T; older notation c.9846delT).
Protein change: p.Val3283fs; shifts the reading frame from valine 3283.
Molecular consequence: frameshift variant.
Genome position (GRCh38, 1-based): chr13:32,398,359, T deleted. VCF-style (leftmost placement, unchanged base first): chr13-32398358-CT-C. GRCh37 (hg19) VCF-style: chr13-32972495-CT-C.
Other names: short protein forms V3283fs.
Identifiers: ClinVar variation 950774 (VCV000950774.10), dbSNP rs2073051761, ClinGen allele CA1139663205.